The following is an entry in ClinVar:

NM_005154.5(USP8):c.2624T>C (p.Phe875Ser)

Genes: USP8 (ubiquitin specific peptidase 8; plus strand), USP50 (ubiquitin specific peptidase 50; minus strand). Cytogenetic location: 15q21.2.
Variant type: single nucleotide variant.
Coding change: c.2624T>C on transcript NM_005154.5 (MANE Select); coding-DNA position 2624, T replaced by C.
Protein change: p.Phe875Ser; replaces phenylalanine 875 with serine.
Molecular consequence: missense variant.
Genome position (GRCh38, 1-based): chr15:50,494,246, T>C. VCF-style: chr15-50494246-T-C. GRCh37 (hg19) VCF-style: chr15-50786443-T-C.
Other names: c.2624T>C, p.Phe875Ser (NM_001128610.3); c.2306T>C, p.Phe769Ser (NM_001283049.2); short protein forms F769S, F875S.
Identifiers: ClinVar variation 1517217 (VCV001517217.7), dbSNP rs2141323193, ClinGen allele CA392402215.

ClinVar aggregate classification (germline): Uncertain significance. Review status: criteria provided, multiple submitters, no conflicts (2 of 4 stars). 2 submissions from 2 submitters: Uncertain significance (2). Last evaluated 2025-09-13.

Conditions:
Hereditary spastic paraplegia. Also called: Familial spastic paraparesis. Identifiers: Orphanet 685, MedGen C0037773, MONDO:0019064. Disease mechanism: loss of function.
USP8-related disorder. Also called: USP8-related condition.

Submissions (2):

3billion
Classification: Uncertain significance for USP8-related disorder. Last evaluated: 2025-09-13. Review status: criteria provided, single submitter. Criteria: ACMG Guidelines, 2015. Collection method: clinical testing. Allele origin: germline. Affected: yes.
Comment: The variant is not observed in the gnomAD v4.1.0 dataset. Predicted Consequence/Location: Missense variant In silico tool predictions suggest damaging effect of the variant on gene or gene product [REVEL: 0.63 (>=0.6, sensitivity 0.68 and specificity 0.92)]. The variant has been reported as of uncertain significance (ClinVar ID: VCV001517217). Therefore, this variant is classified as VUS according to the recommendation of ACMG/AMP guideline.

Labcorp Genetics (formerly Invitae), Labcorp
Classification: Uncertain significance for Hereditary spastic paraplegia. Last evaluated: 2021-08-27. Review status: criteria provided, single submitter. Criteria: Invitae Variant Classification Sherloc (09022015). Collection method: clinical testing. Allele origin: germline.
Comment: This sequence change replaces phenylalanine with serine at codon 875 of the USP8 protein (p.Phe875Ser). The phenylalanine residue is highly conserved and there is a large physicochemical difference between phenylalanine and serine. This variant is not present in population databases (ExAC no frequency). In summary, the available evidence is currently insufficient to determine the role of this variant in disease. Therefore, it has been classified as a Variant of Uncertain Significance. Algorithms developed to predict the effect of missense changes on protein structure and function (SIFT, PolyPhen-2, Align-GVGD) all suggest that this variant is likely to be disruptive. This variant has not been reported in the literature in individuals affected with USP8-related conditions.